The following is an entry in ClinVar:

NM_152618.3(BBS12):c.830A>G (p.His277Arg)

Gene: BBS12 (Bardet-Biedl syndrome 12; plus strand). Cytogenetic location: 4q27.
Variant type: single nucleotide variant.
Coding change: c.830A>G on transcript NM_152618.3 (MANE Select); coding-DNA position 830, A replaced by G.
Protein change: p.His277Arg; replaces histidine 277 with arginine.
Molecular consequence: missense variant.
Genome position (GRCh38, 1-based): chr4:122,742,722, A>G. VCF-style: chr4-122742722-A-G. GRCh37 (hg19) VCF-style: chr4-123663877-A-G.
Other names: c.830A>G, p.His277Arg (NM_001178007.2); short protein forms H277R.
Identifiers: ClinVar variation 1005763 (VCV001005763.3), dbSNP rs1456373861, ClinGen allele CA358223790.
Genomic context (GRCh38, chr4:122,742,722, plus strand): 5'-CAGCTACTCACAAAACTTACAGATGTAATGATTTGGTAGAGTTGGCAGTAGGCTTGAGTC[A>G]TGGAGATCACAGCAGCATGAAGTTAGTAGAAGAAGCAGTACAGCTGCAATATCAGAATGC-3'
Protein context (NP_689831.2, residues 267-287): DLVELAVGLS[His277Arg]GDHSSMKLVE

ClinVar aggregate classification (germline): Uncertain significance. Review status: criteria provided, multiple submitters, no conflicts (2 of 4 stars). 2 submissions from 2 submitters: Uncertain significance (2). Last evaluated 2024-07-30.

Conditions:
Bardet-Biedl syndrome (BBS). Identifiers: Orphanet 110, MedGen C0752166, MONDO:0015229.

Allele frequency attached by ClinVar (database versions not stated): gnomAD 0.00001; gnomAD exomes 0.00001; TOPMed 0.00001.
gnomAD v4.1: 9 of 1,614,152 alleles (0.00056%); highest among the groups gnomAD compares: African/African-American, 0.0013%; no homozygotes.

Submissions (2):

Blueprint Genetics
Classification: Uncertain significance. Last evaluated: 2024-07-30. Review status: criteria provided, single submitter. Criteria: ACMG Guidelines, 2015. Collection method: clinical testing. Allele origin: germline.

Labcorp Genetics (formerly Invitae), Labcorp
Classification: Uncertain significance for Bardet-Biedl syndrome. Last evaluated: 2022-08-16. Review status: criteria provided, single submitter. Criteria: Invitae Variant Classification Sherloc (09022015). Collection method: clinical testing. Allele origin: germline.
Comment: This sequence change replaces histidine, which is basic and polar, with arginine, which is basic and polar, at codon 277 of the BBS12 protein (p.His277Arg). This variant is present in population databases (no rsID available, gnomAD 0.002%). This variant has not been reported in the literature in individuals affected with BBS12-related conditions. ClinVar contains an entry for this variant (Variation ID: 1005763). Algorithms developed to predict the effect of missense changes on protein structure and function are either unavailable or do not agree on the potential impact of this missense change (SIFT: "Deleterious"; PolyPhen-2: "Probably Damaging"; Align-GVGD: "Class C0"). In summary, the available evidence is currently insufficient to determine the role of this variant in disease. Therefore, it has been classified as a Variant of Uncertain Significance.